The following is an entry in ClinVar:

ClinVar aggregate classification (germline): Likely benign (0 of 4 stars; one submission).

Conditions:
MAPT-related disorder. Also called: MAPT-related condition; MAPT-Related Disorders.

Allele frequency attached by ClinVar (database versions not stated): gnomAD exomes 0.00001; TOPMed 0.00001.
gnomAD v4.1: 10 of 1,612,886 alleles (0.00062%); highest among the groups gnomAD compares: Middle Eastern, 0.017%; no homozygotes.

Submission:

PreventionGenetics, part of Exact Sciences
Classification: Likely benign for MAPT-related condition. Last evaluated: 2023-07-16. Review status: no assertion criteria provided. Collection method: clinical testing. Allele origin: germline.
Comment: This variant is classified as likely benign based on ACMG/AMP sequence variant interpretation guidelines (Richards et al. 2015 PMID: 25741868, with internal and published modifications).

NM_001377265.1(MAPT):c.957G>A (p.Arg319=)

Gene: MAPT (microtubule associated protein tau). Cytogenetic location: 17q21.31.
Variant type: single nucleotide variant.
Coding change: c.957G>A on transcript NM_001377265.1 (MANE Select); coding-DNA position 957, G replaced by A.
Protein change: p.Arg319=; no amino-acid change (arginine 319 retained).
Molecular consequence: synonymous variant. On other transcripts: intron variant (8).
Genome position (GRCh38, 1-based): chr17:45,983,536, G>A. VCF-style: chr17-45983536-G-A. GRCh37 (hg19) VCF-style: chr17-44060902-G-A.
Other names: c.732G>A, p.Arg244= (NM_001123066.4, NM_016835.5); c.957G>A, p.Arg319= (NM_001377266.1); c.200-3504G>A (NM_001377268.1, NM_016834.5, NM_016841.5); c.374-3504G>A (NM_005910.6, NM_001203252.2); c.287-3504G>A (NM_001123067.4, NM_001203251.2, NM_001377267.1).
Identifiers: ClinVar variation 3047169 (VCV003047169.2), dbSNP rs1355749877, ClinGen allele CA500643702.